The following is an entry in ClinVar:

ClinVar aggregate classification (germline): Conflicting classifications of pathogenicity. Review status: criteria provided, conflicting classifications (1 of 4 stars). 5 submissions from 5 submitters: Likely pathogenic (2); Uncertain significance (1). 2 of the submissions do not count toward it. Last evaluated 2026-08-31.

Conditions:
MCOLN1-related disorder. Also called: MCOLN1-related condition.
Mucolipidosis type IV (ML4). Also called: ML IV. Identifiers: Orphanet 578, MedGen C0238286, MONDO:0009653, OMIM 252650.

Allele frequency attached by ClinVar (database versions not stated): gnomAD 0.00001; gnomAD exomes 0.00001; TOPMed 0.00001.
gnomAD v4.1: 17 of 1,613,584 alleles (0.0011%); highest among the groups gnomAD compares: East Asian, 0.0022%; no homozygotes.

Submissions (5):

Myriad Genetics, Inc.
Classification: Uncertain significance for Mucolipidosis type IV. Last evaluated: 2026-08-31. Review status: criteria provided, single submitter. Criteria: Myriad Autosomal Dominant, Autosomal Recessive and X-Linked Classification Criteria (2023). Collection method: clinical testing. Allele origin: unknown.
Comment: NM_020533.2(MCOLN1):c.1406A>G(N469S) is a missense variant classified as a variant of uncertain significance in the context of mucolipidosis IV. N469S has been observed in cases with relevant disease (PMID: 12182165). Relevant functional assessments of this variant are not available in the literature. Internal structural analysis of the variant is supportive of pathogenicity. N469S has not been observed in referenced population frequency databases. In summary, there is insufficient evidence to classify NM_020533.2(MCOLN1):c.1406A>G(N469S) as pathogenic or benign. Please note: this variant was assessed in the context of healthy population screening.

Natera, Inc.
Classification: Likely pathogenic for Mucolipidosis type IV. Last evaluated: 2024-07-24. Review status: criteria provided, single submitter. Criteria: Natera Variant Classification Schema (03/2026). Collection method: clinical testing. Allele origin: germline.
Comment: The c.1406A>G variant in MCOLN1 is a missense variant predicted to cause substitution of asparagine to serine at amino acid 469. This variant is rare in the general population with a frequency below the threshold expected for the associated phenotype(s). This variant has been observed in one or more individuals affected with the associated recessive disease, as either homozygous or compound heterozygous with a second variant (PMID: 11030752). This variant has been identified in one or more affected individuals with a phenotype highly consistent with the associated gene (PMID: 11030752). Computational prediction algorithms indicate this variant is likely to affect gene or protein function. Given the available evidence, this variant is classified as Likely Pathogenic.

Women's Health and Genetics/Laboratory Corporation of America, LabCorp
Classification: Likely pathogenic for Mucolipidosis type IV. Last evaluated: 2022-08-29. Review status: criteria provided, single submitter. Criteria: LabCorp Variant Classification Summary - May 2015. Collection method: clinical testing. Allele origin: germline.
Comment: Variant summary: MCOLN1 c.1406A>G (p.Asn469Ser, legacy name: g.9107A>G) results in a conservative amino acid change located in the polycystin cation channel, PKD1/PKD2 domain (IPR013122) of the encoded protein sequence. Four of five in-silico tools predict a damaging effect of the variant on protein function. Several computational tools predict a significant impact on normal splicing: Three predict the variant creates a cryptic exonic 3' acceptor site, which if used, would result in an in-frame deletion expected to disrupt the pore architecture of the channel (e.g. Zhang_2017). However, these predictions have yet to be confirmed by functional studies. The variant was absent in 250910 control chromosomes (gnomAD). c.1406A>G has been reported in the literature as a biallelic genotype in at least two individuals affected with Mucolipidosis Type 4 (e.g. Sun_2000). These data indicate that the variant is likely to be associated with disease. To our knowledge, no experimental evidence demonstrating an impact on protein function has been reported. Two submitters, including a reputable database, GeneReviews, have provided clinical-significance assessments for this variant to ClinVar after 2014 and classified the variant as pathogenic/likely pathogenic. Based on the evidence outlined above, the variant was classified as likely pathogenic.

PreventionGenetics, part of Exact Sciences
Classification: Likely pathogenic for MCOLN1-related condition. Last evaluated: 2024-03-28. Review status: no assertion criteria provided. Collection method: clinical testing. Allele origin: germline. Not counted in ClinVar's aggregate classification.
Comment: The MCOLN1 c.1406A>G variant is predicted to result in the amino acid substitution p.Asn469Ser. Based on available splicing prediction software, this variant is predicted to result in the creation of an alternate splice acceptor site, truncating the protein (Alamut Visual Plus v1.6.1; SpliceAI); however, prediction programs are imperfect and we cannot be certain of the biological impact of this particular variant. This variant has been reported in homozygous state as well as together with MCOLN1 nonsense variant, in at least two individuals with mucolipidosis IV (described as g.9107A>G, families 48 and 53, Sun et al. 2000. PubMed ID: 11030752; patients 15 and 23, Altarescu et al. 2002. PubMed ID: 12182165; same two patients in both publications). This variant has not been reported in a large population database, indicating this variant is rare. A different missense change impacting the same amino acid (p.Asn469Asp) has also been reported in an individual with mucolipidosis IV (Table 1: ID 4, Misko et al. 2022. PubMed ID: 35425852). The c.1406A>G (p.Asn469Ser) variant is interpreted as likely pathogenic.

GeneReviews
No classification provided. Condition: Mucolipidosis type IV. Review status: no classification provided. Collection method: literature only. Allele origin: germline. Not counted in ClinVar's aggregate classification.
Comment: Base pair transition creates a new preferred splice acceptor site that results in a frameshift. Causes atypical MLIV, in which affected persons walk independently and have better communicative skills.

Literature cited by the submitters: PubMed 12182165 (cited by 3 submitters); PubMed 11030752 (cited by Natera, Inc. and Women's Health and Genetics/Laboratory Corporation of America, LabCorp); PubMed 28936784 (cited by Women's Health and Genetics/Laboratory Corporation of America, LabCorp); NCBI Bookshelf NBK1214 (cited by GeneReviews).

NM_020533.3(MCOLN1):c.1406A>G (p.Asn469Ser)

Gene: MCOLN1 (mucolipin TRP cation channel 1; plus strand). Cytogenetic location: 19p13.2.
Variant type: single nucleotide variant.
Coding change: c.1406A>G on transcript NM_020533.3 (MANE Select); coding-DNA position 1406, A replaced by G.
Protein change: p.Asn469Ser; replaces asparagine 469 with serine.
Molecular consequence: missense variant.
Genome position (GRCh38, 1-based): chr19:7,530,332, A>G. VCF-style: chr19-7530332-A-G. GRCh37 (hg19) VCF-style: chr19-7595218-A-G.
Other names: short protein forms N469S.
Identifiers: ClinVar variation 208023 (VCV000208023.13), dbSNP rs797044818, ClinGen allele CA347337.